The following is an entry in ClinVar:

NM_006885.4(ZFHX3):c.4604T>C (p.Met1535Thr)

Genes: ZFHX3 (zinc finger homeobox 3; minus strand), ZFHX3-AS1 (ZFHX3 antisense RNA 1; plus strand). Cytogenetic location: 16q22.2.
Variant type: single nucleotide variant.
Coding change: c.4604T>C on transcript NM_006885.4 (MANE Select); coding-DNA position 4604, T replaced by C.
Protein change: p.Met1535Thr; replaces methionine 1535 with threonine.
Molecular consequence: missense variant.
Genome position (GRCh38, 1-based): chr16:72,798,078, A>G on the plus strand (T>C on the coding strand, the complement: ZFHX3 is on the minus strand). VCF-style: chr16-72798078-A-G. GRCh37 (hg19) VCF-style: chr16-72831977-A-G.
Other names: c.1862T>C, p.Met621Thr (NM_001164766.2); c.4604T>C, p.Met1535Thr (NM_001386735.1); short protein forms M1535T, M621T.
Identifiers: ClinVar variation 3573763 (VCV003573763.2).
Genomic context (GRCh38, chr16:72,798,078, plus strand): 5'-GTGAAAGATTCCTTGCAGACGGTACACTTGTAAGGGCGAGAAGGGTCTAGGAACTTTTCC[A>G]TAGTAAAATTGGGACCTTTTCTGAAAGGCAGAGCTCTCTTTGGCTCTGAGCCCGAGTCTT-3'
Protein context (NP_008816.3, residues 1525-1545): LPFRKGPNFT[Met1535Thr]EKFLDPSRPY

ClinVar aggregate classification (germline): Uncertain significance (1 of 4 stars; one submission).

Submission:

GeneDx
Classification: Uncertain significance. Last evaluated: 2026-09-25. Review status: criteria provided, single submitter. Criteria: GeneDx Variant Classification Process June 2021. Collection method: clinical testing. Allele origin: germline.
Comment: Not observed at significant frequency in large population cohorts (gnomAD); In silico analysis supports that this missense variant has a deleterious effect on protein structure/function; Has not been previously published as pathogenic or benign to our knowledge